The following is an entry in ClinVar:

NM_025179.4(PLXNA2):c.3953G>A (p.Arg1318His)

Gene: PLXNA2 (plexin A2; minus strand). Cytogenetic location: 1q32.2.
Variant type: single nucleotide variant.
Coding change: c.3953G>A on transcript NM_025179.4 (MANE Select); coding-DNA position 3953, G replaced by A.
Protein change: p.Arg1318His; replaces arginine 1318 with histidine.
Molecular consequence: missense variant.
Genome position (GRCh38, 1-based): chr1:208,043,125, C>T on the plus strand (G>A on the coding strand, the complement: PLXNA2 is on the minus strand). VCF-style: chr1-208043125-C-T. GRCh37 (hg19) VCF-style: chr1-208216470-C-T.
Other names: short protein forms R1318H.
Identifiers: ClinVar variation 2176117 (VCV002176117.4), dbSNP rs199550486, ClinGen allele CA36699455.

ClinVar aggregate classification (germline): Uncertain significance (1 of 4 stars; one submission).

Allele frequency attached by ClinVar (database versions not stated): gnomAD 0.00001; TOPMed 0.00001.
gnomAD v4.1: 15 of 1,614,006 alleles (0.00093%); highest among the groups gnomAD compares: Admixed American, 0.0033%; no homozygotes.

Submission:

Labcorp Genetics (formerly Invitae), Labcorp
Classification: Uncertain significance. Last evaluated: 2024-10-23. Review status: criteria provided, single submitter. Criteria: Invitae Variant Classification Sherloc (09022015). Collection method: clinical testing. Allele origin: germline.
Comment: This sequence change replaces arginine, which is basic and polar, with histidine, which is basic and polar, at codon 1318 of the PLXNA2 protein (p.Arg1318His). This variant is present in population databases (rs199550486, gnomAD 0.007%). This variant has not been reported in the literature in individuals affected with PLXNA2-related conditions. ClinVar contains an entry for this variant (Variation ID: 2176117). Invitae Evidence Modeling of protein sequence and biophysical properties (such as structural, functional, and spatial information, amino acid conservation, physicochemical variation, residue mobility, and thermodynamic stability) indicates that this missense variant is not expected to disrupt PLXNA2 protein function with a negative predictive value of 80%. In summary, the available evidence is currently insufficient to determine the role of this variant in disease. Therefore, it has been classified as a Variant of Uncertain Significance.